The following is an entry in ClinVar:

ClinVar aggregate classification (germline): Uncertain significance (1 of 4 stars; one submission).

Conditions:
Cohen syndrome (COH1). Also called: PEPPER SYNDROME; Cutis verticis gyrata, retinitis pigmentosa, and sensorineural deafness. Identifiers: Orphanet 193, MedGen C0265223, MONDO:0008999, OMIM 216550.

gnomAD v4.1: 5 of 1,598,798 alleles (0.00031%); highest among the groups gnomAD compares: Non-Finnish European, 0.00043%; no homozygotes.

Submission:

Labcorp Genetics (formerly Invitae), Labcorp
Classification: Uncertain significance for Cohen syndrome. Last evaluated: 2022-11-01. Review status: criteria provided, single submitter. Criteria: Invitae Variant Classification Sherloc (09022015). Collection method: clinical testing. Allele origin: germline.
Comment: In summary, the available evidence is currently insufficient to determine the role of this variant in disease. Therefore, it has been classified as a Variant of Uncertain Significance. Advanced modeling of protein sequence and biophysical properties (such as structural, functional, and spatial information, amino acid conservation, physicochemical variation, residue mobility, and thermodynamic stability) performed at Invitae indicates that this missense variant is expected to disrupt VPS13B protein function. ClinVar contains an entry for this variant (Variation ID: 1364896). This variant has not been reported in the literature in individuals affected with VPS13B-related conditions. This variant is not present in population databases (gnomAD no frequency). This sequence change replaces arginine with leucine at codon 3725 of the VPS13B protein (p.Arg3725Leu). The arginine residue is moderately conserved and there is a moderate physicochemical difference between arginine and leucine.

NM_152564.5(VPS13B):c.11099G>T (p.Arg3700Leu)

Gene: VPS13B (vacuolar protein sorting 13 homolog B; plus strand). Cytogenetic location: 8q22.2.
Variant type: single nucleotide variant.
Coding change: c.11099G>T on transcript NM_152564.5 (MANE Select); coding-DNA position 11099, G replaced by T.
Protein change: p.Arg3700Leu; replaces arginine 3700 with leucine.
Molecular consequence: missense variant.
Genome position (GRCh38, 1-based): chr8:99,861,830, G>T. VCF-style: chr8-99861830-G-T. GRCh37 (hg19) VCF-style: chr8-100874058-G-T.
Other names: c.11174G>T, p.Arg3725Leu (NM_017890.5); short protein forms R3725L, R3700L.
Identifiers: ClinVar variation 1364896 (VCV001364896.8), dbSNP rs750753561, ClinGen allele CA371790411.